The following is an entry in ClinVar:

ClinVar aggregate classification (germline): Uncertain significance. Review status: criteria provided, multiple submitters, no conflicts (2 of 4 stars). 2 submissions from 2 submitters: Uncertain significance (2). Last evaluated 2026-04-16.

Conditions:
CEP290-related disorder. Also called: CEP290-related condition; CEP290-related disorders. Identifiers: MedGen CN239314.
Leber congenital amaurosis 10 (LCA10). Identifiers: Orphanet 65, MedGen C1857821, MONDO:0012723, OMIM 611755.
Meckel syndrome, type 4 (MKS4). Also called: MECKEL-GRUBER SYNDROME, TYPE 4. Identifiers: Orphanet 564, MedGen C1970161, MONDO:0012626, OMIM 611134.
Senior-Loken syndrome 6 (SLSN6). Identifiers: Orphanet 3156, MedGen C1857779, MONDO:0012433, OMIM 610189.
Joubert syndrome 5 (JBTS5). Identifiers: Orphanet 2318, MedGen C1857780, MONDO:0012432, OMIM 610188.
Bardet-Biedl syndrome 14 (BBS14). Identifiers: Orphanet 110, MedGen C2673874, MONDO:0014442, OMIM 615991.

gnomAD v4.1: 1 of 1,534,632 alleles (0.000065%); highest among the groups gnomAD compares: Non-Finnish European, 0.000088%; no homozygotes.

Submissions (2):

PreventionGenetics, part of Exact Sciences
Classification: Uncertain significance for CEP290-related condition. Last evaluated: 2026-04-16. Review status: criteria provided, single submitter. Criteria: ACMG Guidelines, 2015. Collection method: clinical testing. Allele origin: germline.
Comment: The CEP290 c.1464A>T variant is predicted to result in the amino acid substitution p.Lys488Asn. To our knowledge, this variant has not been reported in the literature. This variant is reported in 0.0015% of alleles in individuals of European (Non-Finnish) descent in gnomAD. At this time, the clinical significance of this variant is uncertain due to the absence of conclusive functional and genetic evidence.

Fulgent Genetics
Classification: Uncertain significance for Joubert syndrome 5; Senior-Loken syndrome 6; Meckel syndrome, type 4; Leber congenital amaurosis 10; Bardet-Biedl syndrome 14. Last evaluated: 2024-06-18. Review status: criteria provided, single submitter. Criteria: ACMG Guidelines, 2015. Collection method: clinical testing. Allele origin: germline.

NM_025114.4(CEP290):c.1464A>T (p.Lys488Asn)

Gene: CEP290 (centrosomal protein 290; minus strand). Cytogenetic location: 12q21.32.
Variant type: single nucleotide variant.
Coding change: c.1464A>T on transcript NM_025114.4 (MANE Select); coding-DNA position 1464, A replaced by T.
Protein change: p.Lys488Asn; replaces lysine 488 with asparagine.
Molecular consequence: missense variant.
Genome position (GRCh38, 1-based): chr12:88,120,172, T>A on the plus strand (A>T on the coding strand, the complement: CEP290 is on the minus strand). VCF-style: chr12-88120172-T-A. GRCh37 (hg19) VCF-style: chr12-88513949-T-A.
Other names: c.1464A>T (NM_025114.3); short protein forms K488N.
Identifiers: ClinVar variation 3575472 (VCV003575472.2).